The following is an entry in ClinVar:

ClinVar aggregate classification (germline): Uncertain significance. Review status: criteria provided, multiple submitters, no conflicts (2 of 4 stars). 2 submissions from 2 submitters: Uncertain significance (2). Last evaluated 2022-06-14.

Conditions:
Angelman syndrome (AS). Also called: HAPPY PUPPET SYNDROME. Identifiers: Orphanet 72, MedGen C0162635, MONDO:0007113, OMIM 105830. Disease mechanism: loss of function. Inheritance: AS is caused by disruption of maternally imprinted UBE3A located within the 15q11.2-q13 Angelman syndrome/Prader-Willi syndrome (AS/PWS) region., imprinting disorder.

Allele frequency attached by ClinVar (database versions not stated): gnomAD exomes below 0.00001; 1000 Genomes Project 30x 0.00016; 1000 Genomes Project 0.00020.
gnomAD v4.1: 3 of 1,614,132 alleles (0.00019%); highest among the groups gnomAD compares: Non-Finnish European, 0.00025%; no homozygotes.

Submissions (2):

Labcorp Genetics (formerly Invitae), Labcorp
Classification: Uncertain significance for Angelman syndrome. Last evaluated: 2022-06-14. Review status: criteria provided, single submitter. Criteria: Invitae Variant Classification Sherloc (09022015). Collection method: clinical testing. Allele origin: germline.
Comment: This sequence change replaces isoleucine, which is neutral and non-polar, with valine, which is neutral and non-polar, at codon 378 of the UBE3A protein (p.Ile378Val). This variant is present in population databases (rs200380619, gnomAD 0.002%). This missense change has been observed in individual(s) with clinical features of UBE3A-related conditions (Invitae). ClinVar contains an entry for this variant (Variation ID: 1306666). Algorithms developed to predict the effect of missense changes on protein structure and function are either unavailable or do not agree on the potential impact of this missense change (SIFT: "Not Available"; PolyPhen-2: "Benign"; Align-GVGD: "Not Available"). In summary, the available evidence is currently insufficient to determine the role of this variant in disease. Therefore, it has been classified as a Variant of Uncertain Significance.

GeneDx
Classification: Uncertain significance. Last evaluated: 2019-02-27. Review status: criteria provided, single submitter. Criteria: GeneDx Variant Classification Process June 2021. Collection method: clinical testing. Allele origin: germline. Affected: yes.
Comment: The majority of missense variants in this gene are considered pathogenic; In silico analysis, which includes protein predictors and evolutionary conservation, supports that this variant does not alter protein structure/function

NM_130839.5(UBE3A):c.1192A>G (p.Ile398Val)

Genes: SNHG14 (small nucleolar RNA host gene 14; plus strand), UBE3A (ubiquitin protein ligase E3A; minus strand). Cytogenetic location: 15q11.2.
Variant type: single nucleotide variant.
Coding change: c.1192A>G on transcript NM_130839.5 (MANE Select); coding-DNA position 1192, A replaced by G.
Protein change: p.Ile398Val; replaces isoleucine 398 with valine.
Molecular consequence: missense variant. On other transcripts: non-coding transcript variant (1), intron variant (2).
Genome position (GRCh38, 1-based): chr15:25,370,982, T>C on the plus strand (A>G on the coding strand, the complement: UBE3A is on the minus strand). VCF-style: chr15-25370982-T-C. GRCh37 (hg19) VCF-style: chr15-25616129-T-C.
Other names: c.1201A>G, p.Ile401Val (NM_000462.5); c.1192A>G, p.Ile398Val (NM_001354505.1, NM_001354538.2, NM_001354545.2); c.1132A>G, p.Ile378Val (NM_001354506.2, NM_001354507.2, NM_001354508.2 and 17 more transcripts); c.1015A>G, p.Ile339Val (NM_001354546.2); c.301+4483A>G (NM_001354551.2); c.361+4483A>G (NM_001354550.2); short protein forms I339V, I378V, I398V, I401V.
Identifiers: ClinVar variation 1306666 (VCV001306666.6), dbSNP rs200380619, ClinGen allele CA267785475.